The following is an entry in ClinVar:

NM_003922.4(HERC1):c.5941G>A (p.Val1981Ile)

Gene: HERC1 (HECT and RLD domain containing E3 ubiquitin protein ligase family member 1; minus strand). Cytogenetic location: 15q22.31.
Variant type: single nucleotide variant.
Coding change: c.5941G>A on transcript NM_003922.4 (MANE Select); coding-DNA position 5941, G replaced by A.
Protein change: p.Val1981Ile; replaces valine 1981 with isoleucine.
Molecular consequence: missense variant.
Genome position (GRCh38, 1-based): chr15:63,689,696, C>T on the plus strand (G>A on the coding strand, the complement: HERC1 is on the minus strand). VCF-style: chr15-63689696-C-T. GRCh37 (hg19) VCF-style: chr15-63981895-C-T.
Other names: short protein forms V1981I.
Identifiers: ClinVar variation 2369909 (VCV002369909.32), dbSNP rs564018971, ClinGen allele CA7605429.

ClinVar aggregate classification (germline): Conflicting classifications of pathogenicity. Review status: criteria provided, conflicting classifications (1 of 4 stars). 7 submissions from 7 submitters: Uncertain significance (1); Likely benign (4). 2 of the submissions do not count toward it. Last evaluated 2026-04-27.

Conditions:
Macrocephaly, dysmorphic facies, and psychomotor retardation (MDFPMR). Identifiers: Orphanet 457359, MedGen C4310766, MONDO:0014863, OMIM 617011.
Inborn genetic diseases. Identifiers: MedGen C0950123, MeSH D030342.
HERC1-related disorder. Also called: HERC1-related condition.

Allele frequency attached by ClinVar (database versions not stated): TOPMed 0.00004; gnomAD 0.00016; gnomAD exomes 0.00024; 1000 Genomes Project 0.00120; 1000 Genomes Project 30x 0.00125; ExAC 0.00139.
gnomAD v4.1: 362 of 1,548,180 alleles (0.023%); highest among the groups gnomAD compares: South Asian, 0.4%; 1 homozygote.

Submissions (7):

Women's Health and Genetics/Laboratory Corporation of America, LabCorp
Classification: Likely benign. Last evaluated: 2026-04-27. Review status: criteria provided, single submitter. Criteria: LabCorp Variant Classification Summary - May 2015. Collection method: clinical testing. Allele origin: germline.
Comment: Variant summary: HERC1 c.5941G>A (p.Val1981Ile) results in a conservative amino acid change in the encoded protein sequence. Algorithms developed to predict the effect of missense changes on protein structure and function are either unavailable or do not agree on the potential impact of this missense change. The variant allele was found at a frequency of 0.00053 in 179506 control chromosomes, predominantly at a frequency of 0.0044 within the South Asian subpopulation in the gnomAD database. The observed variant frequency within South Asian control individuals in the gnomAD database exceeds the estimated maximal expected allele frequency for disease-causing variants in HERC1. To our knowledge, no occurrence of c.5941G>A in individuals affected with HERC1-related conditions and no experimental evidence demonstrating its impact on protein function have been reported. ClinVar contains an entry for this variant (Variation ID: 2369909). Based on the evidence outlined above, the variant was classified as likely benign.

Labcorp Genetics (formerly Invitae), Labcorp
Classification: Likely benign. Last evaluated: 2024-12-02. Review status: criteria provided, single submitter. Criteria: Invitae Variant Classification Sherloc (09022015). Collection method: clinical testing. Allele origin: germline.

Blueprint Genetics
Classification: Uncertain significance. Last evaluated: 2024-03-18. Review status: criteria provided, single submitter. Criteria: ACMG Guidelines, 2015. Collection method: clinical testing. Allele origin: germline.

CeGaT Center for Human Genetics Tuebingen
Classification: Likely benign. Last evaluated: 2023-09-01. Review status: criteria provided, single submitter. Criteria: CeGaT Center For Human Genetics Tuebingen Variant Classification Criteria Version 2. Collection method: clinical testing. Allele origin: germline. Affected: yes. Observed: 1 variant allele.
Comment: HERC1: BP4

Ambry Genetics
Classification: Likely benign for Inborn genetic diseases. Last evaluated: 2021-08-12. Review status: criteria provided, single submitter. Criteria: Ambry Variant Classification Scheme 2023. Collection method: clinical testing. Allele origin: germline.

PreventionGenetics, part of Exact Sciences
Classification: Likely benign for HERC1-related condition. Last evaluated: 2024-02-22. Review status: no assertion criteria provided. Collection method: clinical testing. Allele origin: germline. Not counted in ClinVar's aggregate classification.
Comment: This variant is classified as likely benign based on ACMG/AMP sequence variant interpretation guidelines (Richards et al. 2015 PMID: 25741868, with internal and published modifications).

Molecular Biology Laboratory, Department of Zoology, Quaid-i-azam University
Classification: Uncertain significance for Macrocephaly, dysmorphic facies, and psychomotor retardation. Review status: no assertion criteria provided. Collection method: research. Allele origin: inherited. Affected: yes. Not counted in ClinVar's aggregate classification.